The following is an entry in ClinVar:

ClinVar aggregate classification (germline): Uncertain significance. Review status: criteria provided, multiple submitters, no conflicts (2 of 4 stars). 2 submissions from 2 submitters: Uncertain significance (2). Last evaluated 2022-11-15.

Conditions:
Cardiovascular phenotype. Identifiers: MedGen CN230736.

Submissions (2):

Ambry Genetics
Classification: Uncertain significance for Cardiovascular phenotype. Last evaluated: 2022-11-15. Review status: criteria provided, single submitter. Criteria: Ambry Variant Classification Scheme 2023. Collection method: clinical testing. Allele origin: germline.
Comment: The p.E152D variant (also known as c.456G>C), located in coding exon 6 of the TNNC1 gene, results from a G to C substitution at nucleotide position 456. The glutamic acid at codon 152 is replaced by aspartic acid, an amino acid with highly similar properties. This amino acid position is conserved. In addition, the in silico prediction for this alteration is inconclusive. Since supporting evidence is limited at this time, the clinical significance of this alteration remains unclear.

AiLife Diagnostics
Classification: Uncertain significance. Last evaluated: 2021-08-03. Review status: criteria provided, single submitter. Criteria: ACMG Guidelines, 2015. Collection method: clinical testing. Allele origin: germline. Affected: yes. Observed: 1 variant allele.

NM_003280.3(TNNC1):c.456G>C (p.Glu152Asp)

Gene: TNNC1 (troponin C1, slow skeletal and cardiac type; minus strand). Cytogenetic location: 3p21.1.
Variant type: single nucleotide variant.
Coding change: c.456G>C on transcript NM_003280.3 (MANE Select); coding-DNA position 456, G replaced by C.
Protein change: p.Glu152Asp; replaces glutamic acid 152 with aspartic acid.
Molecular consequence: missense variant.
Genome position (GRCh38, 1-based): chr3:52,451,305, C>G on the plus strand (G>C on the coding strand, the complement: TNNC1 is on the minus strand). VCF-style: chr3-52451305-C-G. GRCh37 (hg19) VCF-style: chr3-52485321-C-G.
Other names: c.456G>C (NM_003280.2); short protein forms E152D.
Identifiers: ClinVar variation 1677438 (VCV001677438.3), dbSNP rs568828576, ClinGen allele CA353164769.
Genomic context (GRCh38, chr3:52,451,305, plus strand): 5'-GCATAGGCAGCTCTGGGTGAAGGTCAGCATCTACTCCACACCCTTCATGAACTCCAGGAA[C>G]TCTGTGGAAAGAGGGGCAGGTGTGGGTTGAGGGTAGGGGCTGGGCAGGGCATGGAGGCAG-3'
Protein context (NP_003271.1, residues 142-161): KNNDGRIDYD[Glu152Asp]FLEFMKGVE